The following is an entry in ClinVar:

ClinVar aggregate classification (germline): Benign/Likely benign. Review status: criteria provided, multiple submitters, no conflicts (2 of 4 stars). 2 submissions from 2 submitters: Benign (1); Likely benign (1). Last evaluated 2026-01-09.

Conditions:
Multicentric osteolysis nodulosis arthropathy spectrum. Identifiers: Orphanet 3460, Orphanet 371428, MedGen C1850155, MONDO:0018298.

Allele frequency attached by ClinVar (database versions not stated): TOPMed 0.00022; ESP Exome Variant Server 0.00023; gnomAD 0.00024 and 0.00038; gnomAD exomes 0.00056 and 0.00105; 1000 Genomes Project 30x 0.00078; 1000 Genomes Project 0.00100; ExAC 0.00112.
gnomAD v4.1: 895 of 1,614,150 alleles (0.055%); highest among the groups gnomAD compares: South Asian, 0.59%; 13 homozygotes.

Submissions (2):

Labcorp Genetics (formerly Invitae), Labcorp
Classification: Benign. Last evaluated: 2026-01-09. Review status: criteria provided, single submitter. Criteria: Invitae Variant Classification Sherloc (09022015). Collection method: clinical testing. Allele origin: germline.

Illumina Laboratory Services, Illumina
Classification: Likely benign for Multicentric osteolysis, nodulosis, and arthropathy. Last evaluated: 2018-01-12. Review status: criteria provided, single submitter. Criteria: ICSL Variant Classification Criteria 13 December 2019. Collection method: clinical testing. Allele origin: germline.
Comment: This variant was observed in the ICSL laboratory as part of a predisposition screen in an ostensibly healthy population. It had not been previously curated by ICSL or reported in the Human Gene Mutation Database (HGMD: prior to June 1st, 2018), and was therefore a candidate for classification through an automated scoring system. Utilizing variant allele frequency, disease prevalence and penetrance estimates, and inheritance mode, an automated score was calculated to assess if this variant is too frequent to cause the disease. Based on the score and internal cut-off values, a variant classified as likely benign is not then subjected to further curation. The score for this variant resulted in a classification of likely benign for this disease.

NM_004530.6(MMP2):c.1769+10G>A

Gene: MMP2 (matrix metallopeptidase 2; plus strand). Cytogenetic location: 16q12.2.
Variant type: single nucleotide variant.
Coding change: c.1769+10G>A on transcript NM_004530.6 (MANE Select); 10 bases into the intron after coding-DNA position 1769, G replaced by A.
Molecular consequence: intron variant.
Genome position (GRCh38, 1-based): chr16:55,498,458, G>A. VCF-style: chr16-55498458-G-A. GRCh37 (hg19) VCF-style: chr16-55532370-G-A.
Other names: c.1541+10G>A (NM_001302508.1, NM_001302510.2, NM_001302509.2); c.1619+10G>A (NM_001127891.3).
Identifiers: ClinVar variation 319765 (VCV000319765.13), dbSNP rs201956873, ClinGen allele CA8060553.
Genomic context (GRCh38, chr16:55,498,458, plus strand): 5'-CTGGAGCAAAAACAAGAAGACATACATCTTTGCTGGAGACAAATTCTGGAGGTAAGGGAG[G>A]GCGGTGGGTAGGACAGCAGCACAGTTGGCTGCGAGAGACAGAGAAGCCGCCCTGAGGCTT-3'